The following is an entry in ClinVar:

NM_001082486.2(ACD):c.458+9G>A

Gene: ACD (ACD shelterin complex subunit and telomerase recruitment factor; minus strand). Cytogenetic location: 16q22.1.
Variant type: single nucleotide variant.
Coding change: c.458+9G>A on transcript NM_001082486.2 (MANE Select); 9 bases into the intron after coding-DNA position 458, G replaced by A.
Molecular consequence: intron variant.
Genome position (GRCh38, 1-based): chr16:67,659,366, C>T on the plus strand (G>A on the coding strand, the complement: ACD is on the minus strand). VCF-style: chr16-67659366-C-T. GRCh37 (hg19) VCF-style: chr16-67693269-C-T.
Other names: c.449+9G>A (NM_022914.3); c.458+9G>A (NM_001410884.1).
Identifiers: ClinVar variation 4776445 (VCV004776445.1).
Genomic context (GRCh38, chr16:67,659,366, plus strand): 5'-CCTGTCTACCTAGATACACCATCCCCTCACCAAACAACACGTGGCCCCCGAGCCCAACCC[C>T]AGACTCACTCAAGGCAGTCATAGAGCTTTTTCTGAACATCTAAGTCTTGGTTGCTAAGAA-3'

ClinVar aggregate classification (germline): Uncertain significance (1 of 4 stars; one submission).

Conditions:
Dyskeratosis congenita, autosomal dominant 6 (DKCA6). Identifiers: Orphanet 3322, MedGen C4225284, MONDO:0014690, OMIM 616553.

Submission:

Labcorp Genetics (formerly Invitae), Labcorp
Classification: Uncertain significance for Dyskeratosis congenita, autosomal dominant 6. Last evaluated: 2025-06-25. Review status: criteria provided, single submitter. Criteria: Invitae Variant Classification Sherloc (09022015). Collection method: clinical testing. Allele origin: germline.
Comment: This sequence change falls in intron 5 of the ACD gene. It does not directly change the encoded amino acid sequence of the ACD protein. This variant is present in population databases (no rsID available, gnomAD 0.007%). This variant has not been reported in the literature in individuals affected with ACD-related conditions. Algorithms developed to predict the effect of sequence changes on RNA splicing suggest that this variant may disrupt the consensus splice site. In summary, the available evidence is currently insufficient to determine the role of this variant in disease. Therefore, it has been classified as a Variant of Uncertain Significance.